The following is an entry in ClinVar:

NM_000057.4(BLM):c.1175A>T (p.Lys392Ile)

Gene: BLM (BLM RecQ like helicase; plus strand). Cytogenetic location: 15q26.1.
Variant type: single nucleotide variant.
Coding change: c.1175A>T on transcript NM_000057.4 (MANE Select); coding-DNA position 1175, A replaced by T.
Protein change: p.Lys392Ile; replaces lysine 392 with isoleucine.
Molecular consequence: missense variant.
Genome position (GRCh38, 1-based): chr15:90,760,234, A>T. VCF-style: chr15-90760234-A-T. GRCh37 (hg19) VCF-style: chr15-91303464-A-T.
Other names: c.1175A>T, p.Lys392Ile (NM_001287246.2, NM_001287247.2); c.50A>T, p.Lys17Ile (NM_001287248.2); short protein forms K17I, K392I.
Identifiers: ClinVar variation 4867487 (VCV004867487.1).

ClinVar aggregate classification (germline): Uncertain significance (1 of 4 stars; one submission).

Conditions:
Hereditary cancer-predisposing syndrome. Also called: Neoplastic Syndromes, Hereditary; Tumor predisposition; Hereditary Cancer Syndrome; Hereditary neoplastic syndrome. Identifiers: Orphanet 140162, MedGen C0027672, MeSH D009386, MONDO:0015356.

Submission:

Ambry Genetics
Classification: Uncertain significance for Hereditary cancer-predisposing syndrome. Last evaluated: 2026-04-15. Review status: criteria provided, single submitter. Criteria: Ambry Variant Classification Scheme 2023. Collection method: clinical testing. Allele origin: germline.
Comment: The p.K392I variant (also known as c.1175A>T), located in coding exon 5 of the BLM gene, results from an A to T substitution at nucleotide position 1175. The lysine at codon 392 is replaced by isoleucine, an amino acid with dissimilar properties. This amino acid position is conserved. In addition, this alteration is predicted to be tolerated by in silico analysis. Based on the available evidence, the clinical significance of this variant remains unclear.